The following is an entry in ClinVar:

NM_017909.4(RMND1):c.830+1G>A

Gene: RMND1 (required for meiotic nuclear division 1 homolog; minus strand). Cytogenetic location: 6q25.1.
Variant type: single nucleotide variant.
Coding change: c.830+1G>A on transcript NM_017909.4 (MANE Select); the canonical splice donor site of the intron after coding-DNA position 830, G replaced by A.
Molecular consequence: splice donor variant.
Genome position (GRCh38, 1-based): chr6:151,427,481, C>T on the plus strand (G>A on the coding strand, the complement: RMND1 is on the minus strand). VCF-style: chr6-151427481-C-T. GRCh37 (hg19) VCF-style: chr6-151748616-C-T.
Other names: NC_000006.11:g.151748616C>T; c.320+1G>A (NM_001271937.2).
Identifiers: ClinVar variation 225261 (VCV000225261.4), dbSNP rs773470671, ClinGen allele CA4050907.

ClinVar aggregate classification (germline): Pathogenic/Likely pathogenic. Review status: criteria provided, multiple submitters, no conflicts (2 of 4 stars). 3 submissions from 3 submitters: Pathogenic (1); Likely pathogenic (1). 1 of the submissions does not count toward it. Last evaluated 2025-07-10.

Conditions:
RMND1-related disorder. Also called: RMND1-related condition.
Mitochondrial disease. Also called: Mitochondrial disorder; Mitochondrial disorders. Identifiers: Orphanet 68380, MedGen C0751651, MeSH D028361, MONDO:0044970.

Allele frequency attached by ClinVar (database versions not stated): TOPMed 0.00001; gnomAD exomes 0.00002 and 0.00003; ExAC 0.00006.

Submissions (4):

PreventionGenetics, part of Exact Sciences
Classification: Pathogenic for RMND1-related condition. Last evaluated: 2025-07-10. Review status: criteria provided, single submitter. Criteria: ACMG Guidelines, 2015. Collection method: clinical testing. Allele origin: germline.
Comment: The RMND1 c.830+1G>A variant is predicted to disrupt the GT donor site and interfere with normal splicing. This variant was reported in an individual with mitochondrial disease (Ng et al. 2016. PubMed ID: 27412952). This variant is reported in 0.0053% of alleles in individuals of European (Non-Finnish) descent in gnomAD. Variants that disrupt the consensus splice donor site in RMND1 are expected to be pathogenic. This variant is interpreted as pathogenic.

Blueprint Genetics
Classification: Likely pathogenic for RMND1-related disorders. Last evaluated: 2023-01-12. Review status: criteria provided, single submitter. Criteria: ACMG Guidelines, 2015. Collection method: clinical testing. Allele origin: germline. Affected: yes. Observed: 5 variant alleles.

Mitochondrial Research Group, Newcastle University
Classification: Pathogenic for Mitochondrial disease. Last evaluated: 2015-12-22. Review status: no assertion criteria provided. Collection method: clinical testing. Allele origin: germline. Affected: yes. Not counted in ClinVar's aggregate classification.

Dr. Peter K. Rogan Lab, Western University
No classification provided (evidence only). Condition: Familial cancer of breast. Review status: no classification provided. Collection method: in vitro. Allele origin: not applicable. Functional consequence: skipped exon, retained intron. Not counted in ClinVar's aggregate classification.

Literature cited by the submitters: PubMed 27412952 (cited by Mitochondrial Research Group, Newcastle University).